The following is an entry in ClinVar:

NM_018136.5(ASPM):c.7748_7749del (p.Ile2583fs)

Gene: ASPM (assembly factor for spindle microtubules; minus strand). Cytogenetic location: 1q31.3.
Variant type: Deletion.
Coding change: c.7748_7749del on transcript NM_018136.5 (MANE Select); coding-DNA positions 7748 to 7749, 2 bases deleted (TA; older notation c.7748_7749delTA).
Protein change: p.Ile2583fs; shifts the reading frame from isoleucine 2583.
Molecular consequence: frameshift variant. On other transcripts: intron variant (1).
Genome position (GRCh38, 1-based): chr1:197,101,502-197,101,503, TA deleted on the plus strand (TA on the coding strand, the reverse complement: ASPM is on the minus strand); deleting any 2 consecutive bases within chr1:197,101,502-197,101,504 gives the same sequence; the c. name uses the placement nearest the transcript's 3' end. VCF-style (leftmost placement, unchanged base first): chr1-197101501-GTA-G. GRCh37 (hg19) VCF-style: chr1-197070631-GTA-G.
Other names: c.4066-5339_4066-5338del (NM_001206846.2); short protein forms I2583fs.
Identifiers: ClinVar variation 2431363 (VCV002431363.2), dbSNP rs1488146761, ClinGen allele CA729752786.

ClinVar aggregate classification (germline): Pathogenic/Likely pathogenic. Review status: criteria provided, multiple submitters, no conflicts (2 of 4 stars). 2 submissions from 2 submitters: Pathogenic (1); Likely pathogenic (1). Last evaluated 2022-06-03.

Conditions:
Microcephaly 5, primary, autosomal recessive (MCPH5). Also called: ASPM Primary Microcephaly. Identifiers: Orphanet 2512, MedGen C1837501, MONDO:0012106, OMIM 608716.
ASPM-related disorder. Also called: ASPM-related condition.

Submissions (2):

Laboratorio de Genetica e Diagnostico Molecular, Hospital Israelita Albert Einstein
Classification: Pathogenic for Microcephaly 5, primary, autosomal recessive. Last evaluated: 2022-06-03. Review status: criteria provided, single submitter. Criteria: ACMG Guidelines, 2015. Collection method: clinical testing. Allele origin: germline. Affected: yes. Observed: 1 variant allele.
Comment: ACMG classification criteria: PVS1 very strong, PM2 moderated, PM3 moderated

Blueprint Genetics
Classification: Likely pathogenic for ASPM-related disorders. Last evaluated: 2022-05-30. Review status: criteria provided, single submitter. Criteria: ACMG Guidelines, 2015. Collection method: clinical testing. Allele origin: germline. Affected: yes. Observed: 1 variant allele.